The following is an entry in ClinVar:

ClinVar aggregate classification (germline): Uncertain significance (1 of 4 stars; one submission).

Conditions:
Progressive sclerosing poliodystrophy (MTDPS4A). Also called: Mitochondrial DNA depletion syndrome 4A (Alpers type); Alpers Syndrome; ALPERS DIFFUSE DEGENERATION OF CEREBRAL GRAY MATTER WITH HEPATIC CIRRHOSIS; Alpers-Huttenlocher Syndrome; ALPERS PROGRESSIVE INFANTILE POLIODYSTROPHY; NEURONAL DEGENERATION OF CHILDHOOD WITH LIVER DISEASE, PROGRESSIVE. Identifiers: Orphanet 726, MedGen C0205710, MONDO:0008758, OMIM 203700.

Submission:

Labcorp Genetics (formerly Invitae), Labcorp
Classification: Uncertain significance for Progressive sclerosing poliodystrophy. Last evaluated: 2025-10-15. Review status: criteria provided, single submitter. Criteria: Invitae Variant Classification Sherloc (09022015). Collection method: clinical testing. Allele origin: germline.
Comment: This sequence change replaces histidine, which is basic and polar, with leucine, which is neutral and non-polar, at codon 945 of the POLG protein (p.His945Leu). This variant is not present in population databases (gnomAD no frequency). This missense change has been observed in individual(s) with clinical features of POLG-related conditions (PMID: 25724872). ClinVar contains an entry for this variant (Variation ID: 2137739). Invitae Evidence Modeling of protein sequence and biophysical properties (such as structural, functional, and spatial information, amino acid conservation, physicochemical variation, residue mobility, and thermodynamic stability) indicates that this missense variant is expected to disrupt POLG protein function with a positive predictive value of 95%. In summary, the available evidence is currently insufficient to determine the role of this variant in disease. Therefore, it has been classified as a Variant of Uncertain Significance.

Literature cited by the submitters: PubMed 25724872.

NM_002693.3(POLG):c.2834A>T (p.His945Leu)

Gene: POLG (DNA polymerase gamma, catalytic subunit; minus strand). Cytogenetic location: 15q26.1.
Variant type: single nucleotide variant.
Coding change: c.2834A>T on transcript NM_002693.3 (MANE Select); coding-DNA position 2834, A replaced by T.
Protein change: p.His945Leu; replaces histidine 945 with leucine.
Molecular consequence: missense variant.
Genome position (GRCh38, 1-based): chr15:89,320,913, T>A on the plus strand (A>T on the coding strand, the complement: POLG is on the minus strand). VCF-style: chr15-89320913-T-A. GRCh37 (hg19) VCF-style: chr15-89864144-T-A.
Other names: c.2834A>T, p.His945Leu (NM_001126131.2); short protein forms H945L.
Identifiers: ClinVar variation 2137739 (VCV002137739.4), dbSNP rs2509217300, ClinGen allele CA393752902.